The following is an entry in ClinVar:

ClinVar aggregate classification (germline): Uncertain significance (1 of 4 stars; one submission).

Conditions:
Schuurs-Hoeijmakers syndrome. Also called: PACS1-Related Neurodevelopmental Disorder. Identifiers: Orphanet 329224, MedGen C3554343, MONDO:0014006, OMIM 615009.

gnomAD v4.1: 1 of 1,614,106 alleles (0.000062%); highest among the groups gnomAD compares: Non-Finnish European, 0.000085%; no homozygotes.

Submission:

Labcorp Genetics (formerly Invitae), Labcorp
Classification: Uncertain significance for Schuurs-Hoeijmakers syndrome. Last evaluated: 2025-11-27. Review status: criteria provided, single submitter. Criteria: Invitae Variant Classification Sherloc (09022015). Collection method: clinical testing. Allele origin: germline.
Comment: This sequence change replaces arginine, which is basic and polar, with cysteine, which is neutral and slightly polar, at codon 533 of the PACS1 protein (p.Arg533Cys). The frequency data for this variant in the population databases is considered unreliable, as metrics indicate poor data quality at this position in the gnomAD database. This variant has not been reported in the literature in individuals affected with PACS1-related conditions. Invitae Evidence Modeling of protein sequence and biophysical properties (such as structural, functional, and spatial information, amino acid conservation, physicochemical variation, residue mobility, and thermodynamic stability) indicates that this missense variant is not expected to disrupt PACS1 protein function with a negative predictive value of 80%. In summary, the available evidence is currently insufficient to determine the role of this variant in disease. Therefore, it has been classified as a Variant of Uncertain Significance.

NM_018026.4(PACS1):c.1597C>T (p.Arg533Cys)

Gene: PACS1 (phosphofurin acidic cluster sorting protein 1; plus strand). Cytogenetic location: 11q13.2.
Variant type: single nucleotide variant.
Coding change: c.1597C>T on transcript NM_018026.4 (MANE Select); coding-DNA position 1597, C replaced by T.
Protein change: p.Arg533Cys; replaces arginine 533 with cysteine.
Molecular consequence: missense variant.
Genome position (GRCh38, 1-based): chr11:66,230,911, C>T. VCF-style: chr11-66230911-C-T. GRCh37 (hg19) VCF-style: chr11-65998382-C-T.
Other names: short protein forms R533C.
Identifiers: ClinVar variation 4746460 (VCV004746460.1).